The following is an entry in ClinVar:

NM_001387430.1(SH2B1):c.168G>A (p.Ala56=)

Gene: SH2B1 (SH2B adaptor protein 1; plus strand). Cytogenetic location: 16p11.2.
Variant type: single nucleotide variant.
Coding change: c.168G>A on transcript NM_001387430.1 (MANE Select); coding-DNA position 168, G replaced by A.
Protein change: p.Ala56=; no amino-acid change (alanine 56 retained).
Molecular consequence: synonymous variant. On other transcripts: intron variant (1).
Genome position (GRCh38, 1-based): chr16:28,866,262, G>A. VCF-style: chr16-28866262-G-A. GRCh37 (hg19) VCF-style: chr16-28877583-G-A.
Other names: c.168G>A, p.Ala56= (NM_001145795.2, NM_001145796.2, NM_001145797.2 and 4 more transcripts); c.-26-1112G>A (NM_001308294.2).
Identifiers: ClinVar variation 3351059 (VCV003351059.1).

ClinVar aggregate classification (germline): Likely benign (0 of 4 stars; one submission).

Conditions:
SH2B1-related disorder. Also called: SH2B1-related condition.

gnomAD v4.1: 9 of 1,610,260 alleles (0.00056%); highest among the groups gnomAD compares: South Asian, 0.0066%; no homozygotes.

Submission:

PreventionGenetics, part of Exact Sciences
Classification: Likely benign for SH2B1-related condition. Last evaluated: 2024-05-07. Review status: no assertion criteria provided. Collection method: clinical testing. Allele origin: germline.
Comment: This variant is classified as likely benign based on ACMG/AMP sequence variant interpretation guidelines (Richards et al. 2015 PMID: 25741868, with internal and published modifications).